The following is an entry in ClinVar:

ClinVar aggregate classification (germline): Uncertain significance (1 of 4 stars; one submission).

Submission:

GeneDx
Classification: Uncertain significance. Last evaluated: 2020-02-19. Review status: criteria provided, single submitter. Criteria: GeneDx Variant Classification Process June 2021. Collection method: clinical testing. Allele origin: germline. Affected: yes.
Comment: Not observed in large population cohorts (Lek et al., 2016); In silico analysis supports a deleterious effect on splicing; Has not been previously published as pathogenic or benign to our knowledge

NM_012330.4(KAT6B):c.3002_3021+26dup

Gene: KAT6B (lysine acetyltransferase 6B; plus strand). Cytogenetic location: 10q22.2.
Variant type: Duplication.
Coding change: c.3002_3021+26dup on transcript NM_012330.4 (MANE Select); coding-DNA position 3002 through 26 bases into the intron after coding-DNA position 3021, 46 bases duplicated.
Molecular consequence: splice donor variant.
Genome position (GRCh38, 1-based): chr10:75,021,266-75,021,311, 46 bases duplicated; duplicating any 46 consecutive bases within chr10:75,021,263-75,021,311 gives the same sequence; the c. name uses the placement nearest the transcript's 3' end. GRCh37 (hg19): chr10:76,781,024-76,781,069.
Other names: c.2126_2145+26dup (NM_001370139.1, NM_001370140.1, NM_001370141.1 and 2 more transcripts); c.3002_3021+26dup (NM_001370136.1, NM_001370137.1); c.2453_2472+26dup (NM_001370138.1, NM_001256468.2); c.1313_1332+26dup (NM_001370133.1); c.917_936+26dup (NM_001370134.1); c.1937_1956+26dup (NM_001370143.1, NM_001370144.1); c.1964_1983+26dup (NM_001370132.1); c.659_678+26dup (NM_001370135.1).
Identifiers: ClinVar variation 1315215 (VCV001315215.2), dbSNP rs2134159637, ClinGen allele CA2573053301.